The following is an entry in ClinVar:

NM_014112.5(TRPS1):c.586G>A (p.Ala196Thr)

Gene: TRPS1 (transcriptional repressor GATA binding 1; minus strand). Cytogenetic location: 8q23.3.
Variant type: single nucleotide variant.
Coding change: c.586G>A on transcript NM_014112.5 (MANE Select); coding-DNA position 586, G replaced by A.
Protein change: p.Ala196Thr; replaces alanine 196 with threonine.
Molecular consequence: missense variant.
Genome position (GRCh38, 1-based): chr8:115,619,512, C>T on the plus strand (G>A on the coding strand, the complement: TRPS1 is on the minus strand). VCF-style: chr8-115619512-C-T. GRCh37 (hg19) VCF-style: chr8-116631739-C-T.
Other names: c.559G>A, p.Ala187Thr (NM_001282902.3); c.565G>A, p.Ala189Thr (NM_001282903.3); c.547G>A, p.Ala183Thr (NM_001330599.2); short protein forms A183T, A187T, A196T, A189T.
Identifiers: ClinVar variation 2178841 (VCV002178841.4), dbSNP rs2536914611, ClinGen allele CA372069307.

ClinVar aggregate classification (germline): Uncertain significance (1 of 4 stars; one submission).

Conditions:
Trichorhinophalangeal dysplasia type I (TRPS1). Also called: TRPS I; TRICHORHINOPHALANGEAL SYNDROME, TYPE I. Identifiers: Orphanet 77258, MedGen C0432233, MONDO:0008596, OMIM 190350.
Trichorhinophalangeal syndrome, type III (TRPS3). Also called: SUGIO-KAJII SYNDROME. Identifiers: Orphanet 77258, MedGen C1860823, OMIM 190351, MONDO:0008597.

Allele frequency attached by ClinVar (database versions not stated): gnomAD exomes below 0.00001.
gnomAD v4.1: 7 of 1,614,138 alleles (0.00043%); highest among the groups gnomAD compares: Non-Finnish European, 0.00059%; no homozygotes.

Submission:

Labcorp Genetics (formerly Invitae), Labcorp
Classification: Uncertain significance for Trichorhinophalangeal syndrome, type III; Trichorhinophalangeal dysplasia type I. Last evaluated: 2024-02-26. Review status: criteria provided, single submitter. Criteria: Invitae Variant Classification Sherloc (09022015). Collection method: clinical testing. Allele origin: germline.
Comment: This sequence change replaces alanine, which is neutral and non-polar, with threonine, which is neutral and polar, at codon 196 of the TRPS1 protein (p.Ala196Thr). This variant is not present in population databases (gnomAD no frequency). This variant has not been reported in the literature in individuals affected with TRPS1-related conditions. ClinVar contains an entry for this variant (Variation ID: 2178841). Advanced modeling of protein sequence and biophysical properties (such as structural, functional, and spatial information, amino acid conservation, physicochemical variation, residue mobility, and thermodynamic stability) performed at Invitae indicates that this missense variant is not expected to disrupt TRPS1 protein function with a negative predictive value of 80%. In summary, the available evidence is currently insufficient to determine the role of this variant in disease. Therefore, it has been classified as a Variant of Uncertain Significance.